The following is an entry in ClinVar:

NM_004168.4(SDHA):c.1250A>G (p.Tyr417Cys)

Gene: SDHA (succinate dehydrogenase complex flavoprotein subunit A; plus strand). Cytogenetic location: 5p15.33.
Variant type: single nucleotide variant.
Coding change: c.1250A>G on transcript NM_004168.4 (MANE Select); coding-DNA position 1250, A replaced by G.
Protein change: p.Tyr417Cys; replaces tyrosine 417 with cysteine.
Molecular consequence: missense variant.
Genome position (GRCh38, 1-based): chr5:235,329, A>G. VCF-style: chr5-235329-A-G. GRCh37 (hg19) VCF-style: chr5-235444-A-G.
Other names: c.1106A>G, p.Tyr369Cys (NM_001294332.2); c.1250A>G, p.Tyr417Cys (NM_001330758.2); short protein forms Y417C, Y369C.
Identifiers: ClinVar variation 472314 (VCV000472314.13), dbSNP rs528628545, ClinGen allele CA3173148.

ClinVar aggregate classification (germline): Uncertain significance. Review status: criteria provided, multiple submitters, no conflicts (2 of 4 stars). 2 submissions from 2 submitters: Uncertain significance (2). Last evaluated 2025-08-27.

Conditions:
Mitochondrial complex II deficiency, nuclear type 1. Also called: SUCCINATE CoQ REDUCTASE DEFICIENCY. Identifiers: Orphanet 3208, MedGen C5700310, MONDO:0100294, OMIM 252011.
Pheochromocytoma/paraganglioma syndrome 5. Also called: Paragangliomas 5; SDHA-Related Hereditary Paraganglioma-Pheochromocytoma Syndrome. Identifiers: Orphanet 29072, MedGen C3279992, MONDO:0013602, OMIM 614165.
Hereditary cancer-predisposing syndrome. Also called: Neoplastic Syndromes, Hereditary; Hereditary Cancer Syndrome; Hereditary neoplastic syndrome; Tumor predisposition. Identifiers: Orphanet 140162, MedGen C0027672, MeSH D009386, MONDO:0015356.

Allele frequency attached by ClinVar (database versions not stated): gnomAD exomes below 0.00001 and 0.00002; ExAC 0.00001; gnomAD 0.00001 and 0.00003; TOPMed 0.00001; 1000 Genomes Project 30x 0.00016; 1000 Genomes Project 0.00020.
gnomAD v4.1: 9 of 1,614,116 alleles (0.00056%); highest among the groups gnomAD compares: East Asian, 0.0045%; no homozygotes.

Submissions (2):

Labcorp Genetics (formerly Invitae), Labcorp
Classification: Uncertain significance for Pheochromocytoma/paraganglioma syndrome 5; Mitochondrial complex II deficiency, nuclear type 1. Last evaluated: 2025-08-27. Review status: criteria provided, single submitter. Criteria: Invitae Variant Classification Sherloc (09022015). Collection method: clinical testing. Allele origin: germline.
Comment: This sequence change replaces tyrosine, which is neutral and polar, with cysteine, which is neutral and slightly polar, at codon 417 of the SDHA protein (p.Tyr417Cys). This variant is present in population databases (rs528628545, gnomAD 0.006%). This variant has not been reported in the literature in individuals affected with SDHA-related conditions. ClinVar contains an entry for this variant (Variation ID: 472314). Invitae Evidence Modeling of protein sequence and biophysical properties (such as structural, functional, and spatial information, amino acid conservation, physicochemical variation, residue mobility, and thermodynamic stability) has been performed for this missense variant. However, the output from this modeling did not meet the statistical confidence thresholds required to predict the impact of this variant on SDHA protein function. In summary, the available evidence is currently insufficient to determine the role of this variant in disease. Therefore, it has been classified as a Variant of Uncertain Significance.

Ambry Genetics
Classification: Uncertain significance for Hereditary cancer-predisposing syndrome. Last evaluated: 2024-11-12. Review status: criteria provided, single submitter. Criteria: Ambry Variant Classification Scheme 2023. Collection method: clinical testing. Allele origin: germline.